The following is an entry in ClinVar:

NM_001267550.2(TTN):c.87805G>A (p.Val29269Ile)

Genes: TTN (titin; minus strand), TTN-AS1 (TTN antisense RNA 1; plus strand). Cytogenetic location: 2q31.2.
Variant type: single nucleotide variant.
Coding change: c.87805G>A on transcript NM_001267550.2 (MANE Select); coding-DNA position 87805, G replaced by A.
Protein change: p.Val29269Ile; replaces valine 29269 with isoleucine.
Molecular consequence: missense variant.
Genome position (GRCh38, 1-based): chr2:178,557,457, C>T on the plus strand (G>A on the coding strand, the complement: TTN is on the minus strand). VCF-style: chr2-178557457-C-T. GRCh37 (hg19) VCF-style: chr2-179422184-C-T.
Other names: c.60610G>A, p.Val20204Ile (NM_003319.4); c.60985G>A, p.Val20329Ile (NM_133432.3); c.61186G>A, p.Val20396Ile (NM_133437.4); c.82882G>A, p.Val27628Ile (NM_001256850.1); c.80101G>A, p.Val26701Ile (NM_133378.4); short protein forms V26701I, V29269I, V20329I, V20396I, V27628I, V20204I.
Identifiers: ClinVar variation 165769 (VCV000165769.11), dbSNP rs727503551, ClinGen allele CA178460.

ClinVar aggregate classification (germline): Conflicting classifications of pathogenicity. Review status: criteria provided, conflicting classifications (1 of 4 stars). 5 submissions from 5 submitters: Uncertain significance (2); Likely benign (1). 2 of the submissions do not count toward it. Last evaluated 2019-10-11.

Allele frequency attached by ClinVar (database versions not stated): ExAC 0.00002; gnomAD 0.00002 and 0.00003; gnomAD exomes 0.00003; TOPMed 0.00003.
gnomAD v4.1: 48 of 1,613,960 alleles (0.003%); highest among the groups gnomAD compares: Middle Eastern, 0.15%; no homozygotes.

Submissions (5):

Revvity Omics, Revvity
Classification: Uncertain significance. Last evaluated: 2019-10-11. Review status: criteria provided, single submitter. Criteria: ACMG Guidelines, 2015. Collection method: clinical testing. Allele origin: germline.

GeneDx
Classification: Likely benign. Last evaluated: 2018-05-01. Review status: criteria provided, single submitter. Criteria: GeneDx Variant Classification (06012015). Collection method: clinical testing. Allele origin: germline. Affected: yes.
Comment: This variant is considered likely benign or benign based on one or more of the following criteria: it is a conservative change, it occurs at a poorly conserved position in the protein, it is predicted to be benign by multiple in silico algorithms, and/or has population frequency not consistent with disease.

Laboratory for Molecular Medicine, Mass General Brigham Personalized Medicine
Classification: Uncertain significance. Last evaluated: 2013-08-15. Review status: criteria provided, single submitter. Criteria: LMM Criteria. Collection method: clinical testing. Allele origin: germline. Observed: 1 variant allele.
Comment: The Val26701Ile variant in TTN has not been reported in individuals with cardiom yopathy or in large population studies. Computational analyses (biochemical amin o acid properties, conservation, AlignGVGD, PolyPhen2, and SIFT) do not provide strong support for or against an impact to the protein. Additional information i s needed to fully assess the clinical significance of the Val26701Ile variant.

Clinical Genetics DNA and cytogenetics Diagnostics Lab, Erasmus MC, Erasmus Medical Center
Classification: Uncertain significance. Review status: no assertion criteria provided. Collection method: clinical testing. Allele origin: germline. Affected: yes. Study: VKGL Data-share Consensus. Not counted in ClinVar's aggregate classification.

Clinical Genetics, Academic Medical Center
Classification: Uncertain significance. Review status: no assertion criteria provided. Collection method: clinical testing. Allele origin: germline. Affected: yes. Study: VKGL Data-share Consensus. Not counted in ClinVar's aggregate classification.